The following is an entry in ClinVar:

ClinVar aggregate classification (germline): Likely benign. Review status: criteria provided, single submitter (1 of 4 stars). 2 submissions from 2 submitters: Likely benign (1). 1 of the submissions does not count toward it. Last evaluated 2017-07-14.

Conditions:
Angelman syndrome (AS). Also called: HAPPY PUPPET SYNDROME. Identifiers: Orphanet 72, MedGen C0162635, MONDO:0007113, OMIM 105830. Disease mechanism: loss of function. Inheritance: AS is caused by disruption of maternally imprinted UBE3A located within the 15q11.2-q13 Angelman syndrome/Prader-Willi syndrome (AS/PWS) region., imprinting disorder.

Submissions (2):

GeneDx
Classification: Likely benign. Last evaluated: 2017-07-14. Review status: criteria provided, single submitter. Criteria: GeneDx Variant Classification Process June 2021. Collection method: clinical testing. Allele origin: germline. Affected: yes.

Baylor Genetics
Classification: Uncertain significance for Angelman syndrome. Last evaluated: 2014-02-14. Review status: no assertion criteria provided. Collection method: clinical testing. Allele origin: paternal. Affected: yes. Observed: 1 variant allele. Study: UBE3A Mutation Study. Not counted in ClinVar's aggregate classification.
Comment: possible diagnosis of Angelman syndrome

Data collected from clinical UBE3A sequence analysis results

Literature cited by the submitters: PubMed 25212744 (cited by Baylor Genetics).

NM_130839.5(UBE3A):c.*3CAAAA[2] (p.Ter873=)

Genes: SNHG14 (small nucleolar RNA host gene 14; plus strand), UBE3A (ubiquitin protein ligase E3A; minus strand). Cytogenetic location: 15q11.2.
Variant type: Microsatellite.
Coding change: c.*3CAAAA[2] on transcript NM_130839.5 (MANE Select); two copies in a row of the 5-base unit CAAAA starting at c.*3; the reference has three copies in a row; one copy, 5 bases deleted.
Protein change: p.Ter873=.
Molecular consequence: no sequence alteration. On other transcripts: non-coding transcript variant (1).
Genome position (GRCh38, 1-based): chr15:25,339,120-25,339,124, TTTTG deleted on the plus strand (CAAAA on the coding strand, the reverse complement: UBE3A is on the minus strand); deleting any 5 consecutive bases within chr15:25,339,120-25,339,138 gives the same sequence; the position shown is the placement nearest the transcript's 3' end. VCF-style (leftmost placement, unchanged base first): chr15-25339119-ATTTTG-A. GRCh37 (hg19) VCF-style: chr15-25584266-ATTTTG-A.
Other names: c.*3CAAAA[2], p.Ter876= (NM_000462.5); c.*3CAAAA[2], p.Ter873= (NM_001354505.1, NM_001354538.2); c.*3CAAAA[2], p.Ter853= (NM_001354506.2, NM_001354507.2, NM_001354508.2 and 14 more transcripts); c.*3CAAAA[2], p.Ter821= (NM_001354545.2); c.*3CAAAA[2], p.Ter814= (NM_001354546.2); c.*3CAAAA[2], p.Ter801= (NM_001354547.2, NM_001354548.2); c.*3CAAAA[2], p.Ter798= (NM_001354549.2); c.*3CAAAA[2], p.Ter456= (NM_001354550.2); and 1 more.
Identifiers: ClinVar variation 156147 (VCV000156147.4), dbSNP rs587782926, ClinGen allele CA333454.